The following is an entry in ClinVar:

NM_000180.4(GUCY2D):c.737T>C (p.Met246Thr)

Gene: GUCY2D (guanylate cyclase 2D, retinal; plus strand). Cytogenetic location: 17p13.1.
Variant type: single nucleotide variant.
Coding change: c.737T>C on transcript NM_000180.4 (MANE Select); coding-DNA position 737, T replaced by C.
Protein change: p.Met246Thr; replaces methionine 246 with threonine.
Molecular consequence: missense variant.
Genome position (GRCh38, 1-based): chr17:8,003,867, T>C. VCF-style: chr17-8003867-T-C. GRCh37 (hg19) VCF-style: chr17-7907185-T-C.
Other names: short protein forms M246T.
Identifiers: ClinVar variation 3249013 (VCV003249013.2).

ClinVar aggregate classification (germline): Uncertain significance. Review status: criteria provided, single submitter (1 of 4 stars). 2 submissions from 2 submitters: Uncertain significance (1). 1 of the submissions does not count toward it. Last evaluated 2025-12-09.

Conditions:
Leber congenital amaurosis 1 (LCA1). Also called: Congenital absence of the rods and cones; Leber's congenital tapetoretinal degeneration; Leber's congenital tapetoretinal dysplasia; AMAUROSIS CONGENITA OF LEBER I; RETINAL BLINDNESS, CONGENITAL. Identifiers: Orphanet 65, MedGen C2931258, MONDO:0008764, OMIM 204000.
Cone-rod dystrophy 6 (CORD6). Also called: Cone dystrophy progressive; RETINAL CONE DYSTROPHY 2. Identifiers: Orphanet 1872, MedGen C1866293, MONDO:0011143, OMIM 601777.
Retinal dystrophy. Also called: Inherited retinal dystrophy. Identifiers: Orphanet 71862, MedGen C0854723, MeSH D058499, MONDO:0019118, HP:0000556.

gnomAD v4.1: 2 of 1,612,480 alleles (0.00012%); highest among the groups gnomAD compares: Middle Eastern, 0.016%; no homozygotes.

Submissions (2):

Labcorp Genetics (formerly Invitae), Labcorp
Classification: Uncertain significance for Leber congenital amaurosis 1; Cone-rod dystrophy 6. Last evaluated: 2025-12-09. Review status: criteria provided, single submitter. Criteria: Invitae Variant Classification Sherloc (09022015). Collection method: clinical testing. Allele origin: germline.
Comment: This sequence change replaces methionine, which is neutral and non-polar, with threonine, which is neutral and polar, at codon 246 of the GUCY2D protein (p.Met246Thr). This variant is not present in population databases (gnomAD no frequency). This variant has not been reported in the literature in individuals affected with GUCY2D-related conditions. ClinVar contains an entry for this variant (Variation ID: 3249013). Invitae Evidence Modeling of protein sequence and biophysical properties (such as structural, functional, and spatial information, amino acid conservation, physicochemical variation, residue mobility, and thermodynamic stability) has been performed for this missense variant. However, the output from this modeling did not meet the statistical confidence thresholds required to predict the impact of this variant on GUCY2D protein function. This variant disrupts the p.Met246 amino acid residue in GUCY2D. Other variant(s) that disrupt this residue have been observed in individuals with GUCY2D-related conditions (PMID: 32821499, 37327959), which suggests that this may be a clinically significant amino acid residue. In summary, the available evidence is currently insufficient to determine the role of this variant in disease. Therefore, it has been classified as a Variant of Uncertain Significance.

Institute of Human Genetics, Univ. Regensburg, Univ. Regensburg
Classification: Likely pathogenic for Retinal dystrophy. Last evaluated: 2021-01-01. Review status: no assertion criteria provided. Criteria: ACMG Guidelines, 2015. Collection method: clinical testing. Allele origin: germline. Affected: yes. Not counted in ClinVar's aggregate classification.

Literature cited by the submitters: PubMed 32821499 (cited by Labcorp Genetics (formerly Invitae), Labcorp); PubMed 37327959 (cited by Labcorp Genetics (formerly Invitae), Labcorp).